The following is an entry in ClinVar:

NM_015599.3(PGM3):c.362C>G (p.Ala121Gly)

Gene: PGM3 (phosphoglucomutase 3; minus strand). Cytogenetic location: 6q14.1.
Variant type: single nucleotide variant.
Coding change: c.362C>G on transcript NM_015599.3 (MANE Select); coding-DNA position 362, C replaced by G.
Protein change: p.Ala121Gly; replaces alanine 121 with glycine.
Molecular consequence: missense variant. On other transcripts: non-coding transcript variant (1).
Genome position (GRCh38, 1-based): chr6:83,188,641, G>C on the plus strand (C>G on the coding strand, the complement: PGM3 is on the minus strand). VCF-style: chr6-83188641-G-C. GRCh37 (hg19) VCF-style: chr6-83898360-G-C.
Other names: c.446C>G, p.Ala149Gly (NM_001199917.2, NM_001367287.1); c.119C>G, p.Ala40Gly (NM_001199918.2); c.362C>G, p.Ala121Gly (NM_001199919.2, NM_001367286.1); short protein forms A40G, A121G, A149G.
Identifiers: ClinVar variation 1511872 (VCV001511872.5), dbSNP rs201506489, ClinGen allele CA141910343.

ClinVar aggregate classification (germline): Uncertain significance (1 of 4 stars; one submission).

Conditions:
Immunodeficiency 23 (IMD23). Also called: IMMUNODEFICIENCY WITH HYPER IgE AND COGNITIVE IMPAIRMENT; IMMUNODEFICIENCY-VASCULITIS-MYOCLONUS SYNDROME. Identifiers: Orphanet 443811, MedGen C4014371, MONDO:0014353, OMIM 615816.

Allele frequency attached by ClinVar (database versions not stated): gnomAD exomes below 0.00001.
gnomAD v4.1: 1 of 1,613,440 alleles (0.000062%); highest among the groups gnomAD compares: Non-Finnish European, 0.000085%; no homozygotes.

Submission:

Labcorp Genetics (formerly Invitae), Labcorp
Classification: Uncertain significance for Immunodeficiency 23. Last evaluated: 2024-02-26. Review status: criteria provided, single submitter. Criteria: Invitae Variant Classification Sherloc (09022015). Collection method: clinical testing. Allele origin: germline.
Comment: This sequence change replaces alanine, which is neutral and non-polar, with glycine, which is neutral and non-polar, at codon 149 of the PGM3 protein (p.Ala149Gly). This variant is not present in population databases (gnomAD no frequency). This variant has not been reported in the literature in individuals affected with PGM3-related conditions. ClinVar contains an entry for this variant (Variation ID: 1511872). An algorithm developed to predict the effect of missense changes on protein structure and function (PolyPhen-2) suggests that this variant¬†is likely to be tolerated. In summary, the available evidence is currently insufficient to determine the role of this variant in disease. Therefore, it has been classified as a Variant of Uncertain Significance.